The following is an entry in ClinVar:

NM_001291303.3(FAT4):c.13878C>T (p.Asn4626=)

Gene: FAT4 (FAT atypical cadherin 4; plus strand). Cytogenetic location: 4q28.1.
Variant type: single nucleotide variant.
Coding change: c.13878C>T on transcript NM_001291303.3 (MANE Select); coding-DNA position 13878, C replaced by T.
Protein change: p.Asn4626=; no amino-acid change (asparagine 4626 retained).
Molecular consequence: synonymous variant.
Genome position (GRCh38, 1-based): chr4:125,490,694, C>T. VCF-style: chr4-125490694-C-T. GRCh37 (hg19) VCF-style: chr4-126411849-C-T.
Other names: c.13875C>T, p.Asn4625= (NM_001291285.3); c.13872C>T, p.Asn4624= (NM_024582.6); c.13872C>T (NM_024582.4).
Identifiers: ClinVar variation 1640013 (VCV001640013.10), dbSNP rs369989432, ClinGen allele CA3074456.

ClinVar aggregate classification (germline): Likely benign. Review status: criteria provided, single submitter (1 of 4 stars). 2 submissions from 2 submitters: Likely benign (1). 1 of the submissions does not count toward it. Last evaluated 2026-01-13.

Conditions:
FAT4-related disorder. Also called: FAT4-related condition.

Allele frequency attached by ClinVar (database versions not stated): gnomAD exomes 0.00004 and 0.00007; ExAC 0.00007; TOPMed 0.00009; gnomAD 0.00012 and 0.00013; 1000 Genomes Project 30x 0.00016; 1000 Genomes Project 0.00020.
gnomAD v4.1: 83 of 1,614,156 alleles (0.0051%); highest among the groups gnomAD compares: African/African-American, 0.027%; no homozygotes.

Submissions (2):

Labcorp Genetics (formerly Invitae), Labcorp
Classification: Likely benign. Last evaluated: 2026-01-13. Review status: criteria provided, single submitter. Criteria: Invitae Variant Classification Sherloc (09022015). Collection method: clinical testing. Allele origin: germline.

PreventionGenetics, part of Exact Sciences
Classification: Likely benign for FAT4-related condition. Last evaluated: 2022-10-21. Review status: no assertion criteria provided. Collection method: clinical testing. Allele origin: germline. Not counted in ClinVar's aggregate classification.
Comment: This variant is classified as likely benign based on ACMG/AMP sequence variant interpretation guidelines (Richards et al. 2015 PMID: 25741868, with internal and published modifications).